The following is an entry in ClinVar:

NM_032273.4(TMEM126A):c.163C>T (p.Arg55Ter)

Gene: TMEM126A (transmembrane protein 126A; plus strand). Cytogenetic location: 11q14.1.
Variant type: single nucleotide variant.
Coding change: c.163C>T on transcript NM_032273.4 (MANE Select); coding-DNA position 163, C replaced by T.
Protein change: p.Arg55Ter; replaces arginine 55 with a stop codon.
Molecular consequence: nonsense. On other transcripts: 5 prime UTR variant (1).
Genome position (GRCh38, 1-based): chr11:85,654,139, C>T. VCF-style: chr11-85654139-C-T. GRCh37 (hg19) VCF-style: chr11-85365183-C-T.
Other names: c.163C>T (NM_032273.3); c.-48C>T (NM_001244735.2); short protein forms R55*.
Identifiers: ClinVar variation 410 (VCV000000410.20), dbSNP rs121434508, ClinGen allele CA114254.

ClinVar aggregate classification (germline): Pathogenic. Review status: criteria provided, multiple submitters, no conflicts (2 of 4 stars). 11 submissions from 11 submitters: Pathogenic (6). 5 of the submissions do not count toward it. Last evaluated 2025-03-14.

Conditions:
TMEM126A-related disorder. Also called: TMEM126A-related condition.
Autosomal recessive optic atrophy, OPA7 type. Also called: OPTIC ATROPHY 7 WITH OR WITHOUT AUDITORY NEUROPATHY. Identifiers: Orphanet 227976, Orphanet 98676, MedGen C2751812, MONDO:0013069, OMIM 612989.

Allele frequency attached by ClinVar (database versions not stated): TOPMed 0.00002; 1000 Genomes Project 0.00020; gnomAD 0.00001 and 0.00002; gnomAD exomes 0.00002 and 0.00003; ExAC 0.00004; 1000 Genomes Project 30x 0.00016.

Submissions (11):

3billion
Classification: Pathogenic for Autosomal recessive optic atrophy, OPA7 type. Last evaluated: 2025-03-14. Review status: criteria provided, single submitter. Criteria: ACMG Guidelines, 2015. Collection method: clinical testing. Allele origin: germline. Affected: yes.
Comment: The variant is observed at an extremely low frequency in the gnomAD v4.1.0 dataset (total allele frequency: 0.002%). Predicted Consequence/Location: Stop-gained (nonsense): predicted to result in a loss or disruption of normal protein function through nonsense-mediated decay (NMD) or protein truncation. Multiple pathogenic variants are reported downstream of the variant. The variant was homozygous. The variant has been reported at least twice as pathogenic with clinical assertions and evidence for the classification (ClinVar ID: VCV000000410 / PMID: 19327736).Therefore, this variant is classified as Pathogenic according to the recommendation of ACMG/AMP guideline.

Labcorp Genetics (formerly Invitae), Labcorp
Classification: Pathogenic. Last evaluated: 2024-12-02. Review status: criteria provided, single submitter. Criteria: Invitae Variant Classification Sherloc (09022015). Collection method: clinical testing. Allele origin: germline.
Comment: This sequence change creates a premature translational stop signal (p.Arg55*) in the TMEM126A gene. It is expected to result in an absent or disrupted protein product. Loss-of-function variants in TMEM126A are known to be pathogenic (PMID: 19327736). This variant is present in population databases (rs121434508, gnomAD 0.02%). This premature translational stop signal has been observed in individual(s) with autosomal recessive optic atrophy (PMID: 19327736, 30369941). ClinVar contains an entry for this variant (Variation ID: 410). Algorithms developed to predict the effect of sequence changes on RNA splicing suggest that this variant may disrupt the consensus splice site. For these reasons, this variant has been classified as Pathogenic.

Blueprint Genetics
Classification: Pathogenic for TMEM126A-related disorders. Last evaluated: 2024-09-05. Review status: criteria provided, single submitter. Criteria: ACMG Guidelines, 2015. Collection method: clinical testing. Allele origin: germline. Affected: yes. Observed: 5 variant alleles.

GeneDx
Classification: Pathogenic. Last evaluated: 2024-01-02. Review status: criteria provided, single submitter. Criteria: GeneDx Variant Classification Process June 2021. Collection method: clinical testing. Allele origin: germline.
Comment: Nonsense variant predicted to result in protein truncation or nonsense mediated decay in a gene for which loss-of-function is a known mechanism of disease; Not observed at significant frequency in large population cohorts (gnomAD); This variant is associated with the following publications: (PMID: 30369941, 28492530, 25525159, 19327736, 20405026, 22815638, 31589614, 33841295, 32855858, 36071901, 36460718)

Revvity Omics, Revvity
Classification: Pathogenic for Autosomal recessive optic atrophy, OPA7 type. Last evaluated: 2023-03-14. Review status: criteria provided, single submitter. Criteria: ACMG Guidelines, 2015. Collection method: clinical testing. Allele origin: germline.

Juno Genomics, Hangzhou Juno Genomics, Inc
Classification: Pathogenic for Autosomal recessive optic atrophy, OPA7 type. Review status: criteria provided, single submitter. Criteria: ACMG Guidelines, 2015. Collection method: clinical testing. Allele origin: germline.
Comment: Absent from controls (or at extremely low frequency if recessive) in Genome Aggregation Database.;Null variant in a gene where loss of function (LOF) is a known mechanism of disease.;For recessive disorders, detected in trans with a pathogenic variant.

PreventionGenetics, part of Exact Sciences
Classification: Pathogenic for TMEM126A-related condition. Last evaluated: 2024-02-16. Review status: no assertion criteria provided. Collection method: clinical testing. Allele origin: germline. Not counted in ClinVar's aggregate classification.
Comment: The TMEM126A c.163C>T variant is predicted to result in premature protein termination (p.Arg55*). This variant has been reported in the homozygous state in individuals with optic atrophy from a large multiplex consanguineous Algerian family along with three additional families originating from the same geographic region (Hanein et al. 2009. PubMed ID: 19327736). This variant is reported in 0.011% of alleles in individuals of East Asian descent in gnomAD. This variant is interpreted as pathogenic.

OMIM
Classification: Pathogenic for OPTIC ATROPHY 7 WITH OR WITHOUT AUDITORY NEUROPATHY. Last evaluated: 2012-01-01. Review status: no assertion criteria provided. Collection method: literature only. Allele origin: germline. Not counted in ClinVar's aggregate classification.

Clinical Genetics, Academic Medical Center
Classification: Pathogenic. Review status: no assertion criteria provided. Collection method: clinical testing. Allele origin: germline. Affected: yes. Study: VKGL Data-share Consensus. Not counted in ClinVar's aggregate classification.

Genome Diagnostics Laboratory, University Medical Center Utrecht
Classification: Pathogenic. Review status: no assertion criteria provided. Collection method: clinical testing. Allele origin: germline. Affected: yes. Study: VKGL Data-share Consensus. Not counted in ClinVar's aggregate classification.

Joint Genome Diagnostic Labs from Nijmegen and Maastricht, Radboudumc and MUMC+
Classification: Pathogenic. Review status: no assertion criteria provided. Collection method: clinical testing. Allele origin: germline. Affected: yes. Study: VKGL Data-share Consensus. Not counted in ClinVar's aggregate classification.

Literature cited by the submitters: PubMed 19327736 (cited by 3 submitters); PubMed 30369941 (cited by Labcorp Genetics (formerly Invitae), Labcorp); PubMed 20405026 (cited by OMIM); PubMed 22815638 (cited by OMIM).